The following is an entry in ClinVar:

NM_001256012.3(MYH10):c.1282G>C (p.Asp428His)

Gene: MYH10 (myosin heavy chain 10; minus strand). Cytogenetic location: 17p13.1.
Variant type: single nucleotide variant.
Coding change: c.1282G>C on transcript NM_001256012.3 (MANE Select); coding-DNA position 1282, G replaced by C.
Protein change: p.Asp428His; replaces aspartic acid 428 with histidine.
Molecular consequence: missense variant.
Genome position (GRCh38, 1-based): chr17:8,545,597, C>G on the plus strand (G>C on the coding strand, the complement: MYH10 is on the minus strand). VCF-style: chr17-8545597-C-G. GRCh37 (hg19) VCF-style: chr17-8448915-C-G.
Other names: c.1279G>C, p.Asp427His (NM_001256095.2); c.1282G>C, p.Asp428His (NM_001375266.1); c.1252G>C, p.Asp418His (NM_005964.5); short protein forms D418H, D427H, D428H.
Identifiers: ClinVar variation 2571836 (VCV002571836.2), dbSNP rs2544468587, ClinGen allele CA398044944.

ClinVar aggregate classification (germline): Uncertain significance (1 of 4 stars; one submission).

Submission:

GeneDx
Classification: Uncertain significance. Last evaluated: 2026-01-31. Review status: criteria provided, single submitter. Criteria: GeneDx Variant Classification Process June 2021. Collection method: clinical testing. Allele origin: germline. Affected: yes.
Comment: Not observed at significant frequency in large population cohorts (gnomAD); In silico analysis supports that this missense variant has a deleterious effect on protein structure/function; Has not been previously published as pathogenic or benign to our knowledge; In silico analysis is inconclusive as to whether the variant alters gene splicing. In the absence of RNA/functional studies, the actual effect of this sequence change is unknown.